The following is an entry in ClinVar:

NM_003183.6(ADAM17):c.470A>G (p.Asn157Ser)

Gene: ADAM17 (ADAM metallopeptidase domain 17; minus strand). Cytogenetic location: 2p25.1.
Variant type: single nucleotide variant.
Coding change: c.470A>G on transcript NM_003183.6 (MANE Select); coding-DNA position 470, A replaced by G.
Protein change: p.Asn157Ser; replaces asparagine 157 with serine.
Molecular consequence: missense variant. On other transcripts: 5 prime UTR variant (2).
Genome position (GRCh38, 1-based): chr2:9,527,935, T>C on the plus strand (A>G on the coding strand, the complement: ADAM17 is on the minus strand). VCF-style: chr2-9527935-T-C. GRCh37 (hg19) VCF-style: chr2-9668064-T-C.
Other names: c.-211A>G (NM_001382777.1); c.-453A>G (NM_001382778.1); short protein forms N157S.
Identifiers: ClinVar variation 1030637 (VCV001030637.1), dbSNP rs1664592938, ClinGen allele CA345784381.

ClinVar aggregate classification (germline): Uncertain significance (1 of 4 stars; one submission).

Conditions:
Inflammatory skin and bowel disease, neonatal, 1. Identifiers: Orphanet 294023, MedGen C3280501, MONDO:0013693, OMIM 614328.

Allele frequency attached by ClinVar (database versions not stated): gnomAD exomes below 0.00001.
gnomAD v4.1: 2 of 1,565,740 alleles (0.00013%); highest among the groups gnomAD compares: South Asian, 0.0024%; no homozygotes.

Submission:

Baylor Genetics
Classification: Uncertain significance for Inflammatory skin and bowel disease, neonatal, 1. Last evaluated: 2019-07-01. Review status: criteria provided, single submitter. Criteria: ACMG Guidelines, 2015. Collection method: clinical testing. Allele origin: unknown. Affected: yes.
Comment: This variant was determined to be of uncertain significance according to ACMG Guidelines, 2015 [PMID:25741868].